The following is an entry in ClinVar:

ClinVar aggregate classification (germline): Uncertain significance (1 of 4 stars; one submission).

Submission:

Labcorp Genetics (formerly Invitae), Labcorp
Classification: Uncertain significance. Last evaluated: 2025-07-23. Review status: criteria provided, single submitter. Criteria: Invitae Variant Classification Sherloc (09022015). Collection method: clinical testing. Allele origin: germline.
Comment: This variant, c.446_457dup, results in the insertion of 4 amino acid(s) of the CTF1 protein (p.Gly149_Ala152dup), but otherwise preserves the integrity of the reading frame. The frequency data for this variant in the population databases is considered unreliable, as metrics indicate insufficient coverage at this position in the gnomAD database. This variant has not been reported in the literature in individuals affected with CTF1-related conditions. ClinVar contains an entry for this variant (Variation ID: 571145). Experimental studies and prediction algorithms are not available or were not evaluated, and the functional significance of this variant is currently unknown. In summary, the available evidence is currently insufficient to determine the role of this variant in disease. Therefore, it has been classified as a Variant of Uncertain Significance.

NM_001330.5(CTF1):c.446_457dup (p.Gly149_Ala152dup)

Genes: CTF1 (cardiotrophin 1; plus strand), LOC130058878 (ATAC-STARR-seq lymphoblastoid silent region 7400; plus strand). Cytogenetic location: 16p11.2.
Variant type: Duplication.
Coding change: c.446_457dup on transcript NM_001330.5 (MANE Select); coding-DNA positions 446 to 457, 12 bases duplicated (GGCCCCGGGCCG).
Protein change: p.Gly149_Ala152dup.
Molecular consequence: inframe insertion. On other transcripts: non-coding transcript variant (1).
Genome position (GRCh38, 1-based): chr16:30,902,379-30,902,390, GGCCCCGGGCCG duplicated; duplicating any 12 consecutive bases within chr16:30,902,377-30,902,390 gives the same sequence; the c. name uses the placement nearest the transcript's 3' end. VCF-style (leftmost placement, unchanged base first): chr16-30902376-G-GCGGGCCCCGGGC. GRCh37 (hg19) VCF-style: chr16-30913697-G-GCGGGCCCCGGGC.
Other names: c.443_454dup, p.Gly148_Ala151dup (NM_001142544.3).
Identifiers: ClinVar variation 571145 (VCV000571145.11), dbSNP rs1231514239, ClinGen allele CA719900546.
Genomic context (GRCh38, chr16:30,902,376, plus strand): 5'-AGGCCCGGGCCCTGGGCGCCGCCGTGGAGGCCTTGCTGGCCGCGCTGGGCGCCGCCAACC[G>GCGGGCCCCGGGC]CGGGCCCCGGGCCGAGCCCCCCGCCGCCACCGCCTCAGCCGCCTCCGCCACCGGGGTCTT-3'